The following is an entry in ClinVar:

ClinVar aggregate classification (germline): Conflicting classifications of pathogenicity. Review status: criteria provided, conflicting classifications (1 of 4 stars). 2 submissions from 2 submitters: Uncertain significance (1); Likely benign (1). Last evaluated 2024-08-16.

Conditions:
Cardiovascular phenotype. Identifiers: MedGen CN230736.
Alstrom syndrome (ALMS). Identifiers: Orphanet 64, MedGen C0268425, MONDO:0008763, OMIM 203800.

Allele frequency attached by ClinVar (database versions not stated): gnomAD exomes 0.00001; TOPMed 0.00001; gnomAD 0.00002.
gnomAD v4.1: 12 of 1,614,042 alleles (0.00074%); highest among the groups gnomAD compares: East Asian, 0.0022%; no homozygotes.

Submissions (2):

Ambry Genetics
Classification: Likely benign for Cardiovascular phenotype. Last evaluated: 2024-08-16. Review status: criteria provided, single submitter. Criteria: Ambry Variant Classification Scheme 2023. Collection method: clinical testing. Allele origin: germline.

Labcorp Genetics (formerly Invitae), Labcorp
Classification: Uncertain significance for Alstrom syndrome. Last evaluated: 2022-09-15. Review status: criteria provided, single submitter. Criteria: Invitae Variant Classification Sherloc (09022015). Collection method: clinical testing. Allele origin: germline.
Comment: This sequence change replaces proline, which is neutral and non-polar, with serine, which is neutral and polar, at codon 2660 of the ALMS1 protein (p.Pro2660Ser). This variant is present in population databases (no rsID available, gnomAD 0.006%). This variant has not been reported in the literature in individuals affected with ALMS1-related conditions. In summary, the available evidence is currently insufficient to determine the role of this variant in disease. Therefore, it has been classified as a Variant of Uncertain Significance.

NM_001378454.1(ALMS1):c.7975C>T (p.Pro2659Ser)

Gene: ALMS1 (ALMS1 centrosome and basal body associated protein; plus strand). Cytogenetic location: 2p13.1.
Variant type: single nucleotide variant.
Coding change: c.7975C>T on transcript NM_001378454.1 (MANE Select); coding-DNA position 7975, C replaced by T.
Protein change: p.Pro2659Ser; replaces proline 2659 with serine.
Molecular consequence: missense variant.
Genome position (GRCh38, 1-based): chr2:73,489,934, C>T. VCF-style: chr2-73489934-C-T. GRCh37 (hg19) VCF-style: chr2-73717061-C-T.
Other names: c.7978C>T, p.Pro2660Ser (NM_015120.4); short protein forms P2659S, P2660S.
Identifiers: ClinVar variation 2147961 (VCV002147961.2), dbSNP rs1019805272, ClinGen allele CA50377791.